The following is an entry in ClinVar:

NM_004183.4(BEST1):c.619C>A (p.Leu207Ile)

Gene: BEST1 (bestrophin 1; plus strand). Cytogenetic location: 11q12.3.
Variant type: single nucleotide variant.
Coding change: c.619C>A on transcript NM_004183.4 (MANE Select); coding-DNA position 619, C replaced by A.
Protein change: p.Leu207Ile; replaces leucine 207 with isoleucine.
Molecular consequence: missense variant. On other transcripts: non-coding transcript variant (1).
Genome position (GRCh38, 1-based): chr11:61,956,981, C>A. VCF-style: chr11-61956981-C-A. GRCh37 (hg19) VCF-style: chr11-61724453-C-A.
Other names: c.439C>A, p.Leu147Ile (NM_001139443.3, NM_001300786.2, NM_001300787.2); c.301C>A, p.Leu101Ile (NM_001363591.3); c.619C>A, p.Leu207Ile (NM_001363592.2); c.-557C>A (NM_001363593.3); short protein forms L207I, L147I, L101I.
Identifiers: ClinVar variation 99727 (VCV000099727.24), dbSNP rs74653691, ClinGen allele CA179809.

ClinVar aggregate classification (germline): Benign/Likely benign. Review status: criteria provided, multiple submitters, no conflicts (2 of 4 stars). 10 submissions from 8 submitters: Benign (4); Likely benign (5). 1 of the submissions does not count toward it. Last evaluated 2023-11-22.

Conditions:
Autosomal recessive bestrophinopathy. Also called: Autosomal Recessive Bestrophinopathy (ARB). Identifiers: Orphanet 139455, MedGen C3888198, MONDO:0012733, OMIM 611809.
Retinitis pigmentosa 50 (RP50). Also called: Retinitis pigmentosa, concentric. Identifiers: Orphanet 791, MedGen C2750789, MONDO:0013175, OMIM 613194.
Vitelliform macular dystrophy 2. Also called: VITELLIFORM MACULAR DYSTROPHY, EARLY-ONSET; VITELLIFORM MACULAR DYSTROPHY, JUVENILE-ONSET; Best Vitelliform Macular Dystrophy (BVMD); Best Macular Dystrophy; MACULAR DEGENERATION, POLYMORPHIC VITELLINE; Best vitelliform macular dystrophy, multifocal. Identifiers: Orphanet 1243, MedGen C2745945, MONDO:0007931, OMIM 153700.
Autosomal dominant vitreoretinochoroidopathy. Also called: VITREORETINOCHOROIDOPATHY WITH MICROCORNEA, GLAUCOMA, AND CATARACT; Autosomal Dominant Vitreoretinochoroidopathy (ADVIRC); VITREORETINOCHOROIDOPATHY, AUTOSOMAL DOMINANT, WITH NANOPHTHALMOS. Identifiers: Orphanet 263347, Orphanet 3086, MedGen C3888099, MONDO:0008662, OMIM 193220.
Retinitis pigmentosa (RP). Identifiers: Orphanet 791, MedGen C0035334, MeSH D012174, MONDO:0019200, OMIM 268000. Inheritance: Autosomal dominant, autosomal recessive and X linked inheritance.

Allele frequency attached by ClinVar (database versions not stated): ESP Exome Variant Server 0.01792; gnomAD exomes 0.00386 and 0.00171; 1000 Genomes Project 30x 0.01359; TOPMed 0.01777; ExAC 0.00446; gnomAD 0.01704 and 0.01562; 1000 Genomes Project 0.01238.
gnomAD v4.1: 4,980 of 1,614,126 alleles (0.31%); highest among the groups gnomAD compares: African/African-American, 5.4%; 112 homozygotes.

Submissions (10):

ARUP Laboratories, Molecular Genetics and Genomics, ARUP Laboratories
Classification: Benign. Last evaluated: 2023-11-22. Review status: criteria provided, single submitter. Criteria: ARUP Molecular Germline Variant Investigation Process 2024. Collection method: clinical testing. Allele origin: germline.

Fulgent Genetics
Classification: Likely benign for Vitelliform macular dystrophy 2; Autosomal dominant vitreoretinochoroidopathy; Autosomal recessive bestrophinopathy; Retinitis pigmentosa 50. Last evaluated: 2021-10-14. Review status: criteria provided, single submitter. Criteria: ACMG Guidelines, 2015. Collection method: clinical testing. Allele origin: unknown.

Labcorp Genetics (formerly Invitae), Labcorp
Classification: Benign. Last evaluated: 2019-12-31. Review status: criteria provided, single submitter. Criteria: Invitae Variant Classification Sherloc (09022015). Collection method: clinical testing. Allele origin: germline.

GeneDx
Classification: Benign. Last evaluated: 2019-01-03. Review status: criteria provided, single submitter. Criteria: GeneDx Variant Classification Process June 2021. Collection method: clinical testing. Allele origin: germline. Affected: yes.
Comment: This variant is associated with the following publications: (PMID: 23880862, 10798642, 20981092)

Illumina Laboratory Services, Illumina
Classification: Likely benign for Autosomal dominant vitreoretinochoroidopathy. Last evaluated: 2017-04-27. Review status: criteria provided, single submitter. Criteria: ICSL Variant Classification Criteria 13 December 2019. Collection method: clinical testing. Allele origin: germline.
Comment: This variant was observed as part of a predisposition screen in an ostensibly healthy population. A literature search was performed for the gene, cDNA change, and amino acid change (where applicable). No publications were found based on this search. Allele frequency data from public databases allowed determination this variant is unlikely to cause disease. Therefore, this variant is classified as likely benign.

Illumina Laboratory Services, Illumina
Classification: Likely benign for Vitelliform macular dystrophy 2. Last evaluated: 2017-04-27. Review status: criteria provided, single submitter. Criteria: ICSL Variant Classification Criteria 13 December 2019. Collection method: clinical testing. Allele origin: germline.
Comment: This variant was observed as part of a predisposition screen in an ostensibly healthy population. A literature search was performed for the gene, cDNA change, and amino acid change (where applicable). Publications were found based on this search. The evidence from the literature, in combination with allele frequency data from public databases where available, was sufficient to determine this variant is unlikely to cause disease. Therefore, this variant is classified as likely benign.

Illumina Laboratory Services, Illumina
Classification: Likely benign for Retinitis pigmentosa. Last evaluated: 2017-04-27. Review status: criteria provided, single submitter. Criteria: ICSL Variant Classification Criteria 13 December 2019. Collection method: clinical testing. Allele origin: germline.
Comment: the same text as in the submission from Illumina Laboratory Services, Illumina above.

Eurofins Ntd Llc (ga)
Classification: Benign. Last evaluated: 2014-01-17. Review status: criteria provided, single submitter. Criteria: EGL Classification Definitions 2015. Collection method: clinical testing. Allele origin: germline. Observed: 1 variant allele, 1 heterozygote.

Breakthrough Genomics
Classification: Likely benign. Review status: criteria provided, single submitter. Criteria: ACMG Guidelines, 2015. Collection method: not provided. Allele origin: germline. Inheritance: Autosomal dominant inheritance. Affected: yes.

Retina International
No classification provided. Review status: no classification provided. Collection method: not provided. Allele origin: unknown. Not counted in ClinVar's aggregate classification.

Literature cited by the submitters: PubMed 10798642 (cited by Illumina Laboratory Services, Illumina).